The following is an entry in ClinVar:

ClinVar aggregate classification (germline): Uncertain significance (1 of 4 stars; one submission).

Allele frequency attached by ClinVar (database versions not stated): gnomAD 0.00001; gnomAD exomes 0.00001.
gnomAD v4.1: 15 of 1,551,768 alleles (0.00097%); highest among the groups gnomAD compares: East Asian, 0.0098%; no homozygotes.

Submission:

Labcorp Genetics (formerly Invitae), Labcorp
Classification: Uncertain significance. Last evaluated: 2022-04-12. Review status: criteria provided, single submitter. Criteria: Invitae Variant Classification Sherloc (09022015). Collection method: clinical testing. Allele origin: germline.
Comment: This sequence change replaces methionine, which is neutral and non-polar, with threonine, which is neutral and polar, at codon 925 of the GREB1L protein (p.Met925Thr). This variant is present in population databases (no rsID available, gnomAD 0.02%). This variant has not been reported in the literature in individuals affected with GREB1L-related conditions. Algorithms developed to predict the effect of missense changes on protein structure and function are either unavailable or do not agree on the potential impact of this missense change (SIFT: "Not Available"; PolyPhen-2: "Benign"; Align-GVGD: "Not Available"). In summary, the available evidence is currently insufficient to determine the role of this variant in disease. Therefore, it has been classified as a Variant of Uncertain Significance.

NM_001142966.3(GREB1L):c.2774T>C (p.Met925Thr)

Gene: GREB1L (GREB1 like retinoic acid receptor coactivator; plus strand). Cytogenetic location: 18q11.1.
Variant type: single nucleotide variant.
Coding change: c.2774T>C on transcript NM_001142966.3 (MANE Select); coding-DNA position 2774, T replaced by C.
Protein change: p.Met925Thr; replaces methionine 925 with threonine.
Molecular consequence: missense variant.
Genome position (GRCh38, 1-based): chr18:21,490,095, T>C. VCF-style: chr18-21490095-T-C. GRCh37 (hg19) VCF-style: chr18-19070056-T-C.
Other names: c.2903T>C, p.Met968Thr (NM_001410867.1); c.2447T>C, p.Met816Thr (NM_001410868.1); short protein forms M925T, M968T, M816T.
Identifiers: ClinVar variation 1935882 (VCV001935882.5), dbSNP rs1163578924, ClinGen allele CA401743804.